The following continues an entry in ClinVar:

NM_000036.3(AMPD1):c.34C>T (p.Gln12Ter)

Gene: AMPD1. ClinVar aggregate classification (germline): Conflicting classifications of pathogenicity; other. Pathogenic (1); Uncertain significance (6); Benign (3).

Submissions 13 to 15 of 15:

Clinical Genomics Laboratory, Stanford Medicine
Classification: Uncertain significance for Muscle AMP deaminase deficiency. Last evaluated: 2021-01-06. Review status: no assertion criteria provided. Collection method: clinical testing. Allele origin: germline. Inheritance: Autosomal recessive inheritance. Affected: yes. Observed: 1 heterozygote. Not counted in ClinVar's aggregate classification.
Comment: The p.Gln45* variant in the AMPD1 gene has been previously reported in >20 unrelated individuals, some were asymptomatic and others had features consistent with myoadenylate deaminase deficiency. All individuals were homozygous/compound heterozygous although some had variants in other genes that may be alternate explanations for those individuals’ features (Castro-Gago et al., 2011; Morisaki et al., 1992; Pantoja-Martinez et la., 2004; Rannou et al, 2017; Rubio et al., 2000). The highest allele frequency of the p.Gln45* variant was identified in the European population at 16,882/128,928 chromosomes (13.09%) by the Genome Aggregation Database. This variant leads to a premature stop codon in exon 2 of 16 coding exons and is therefore predicted to undergo nonsense-mediated decay resulting in a truncated or absent protein. Loss of AMPD1 function is a possible mechanism of disease, and data from functional studies suggests this gene is intolerant to variants that result in loss of function (Castro-Gago et al., 2011; Morisaki et al., 1992). Functional studies of the p.Gln45* variant are supportive of a deleterious effect to the protein; however, it is unclear if this would be sufficient to be disease-causing (Castro-Gago et al., 2011; Morisaki et al., 1992). These data were assessed using the ACMG/AMP variant interpretation guidelines. In summary, the significance of the p.Gln45* variant is uncertain due to conflicting allele frequency, clinical, and functional evidence. Additional information is needed to resolve the significance of this variant. [ACMG evidence codes used: PVS1_moderate; PS3_moderate]

Department of Pathology and Laboratory Medicine, Sinai Health System
Classification: Uncertain significance. Review status: no assertion criteria provided. Collection method: clinical testing. Allele origin: unknown. Affected: yes. Study: The Canadian Open Genetics Repository (COGR). Not counted in ClinVar's aggregate classification.
Comment: The AMPD1 p.Gln45* variant has been reported in multiple homozygous individuals with AMPD deficiency but has also been reported in multiple healthy controls, including athletes (Morisaki_1992_PMID:1631143; Gronek_2018_PMID:30429902; Nikolova_2015_PMID:26380113; Gineviciene_2014_PMID:24885427). The variant was identified in dbSNP (ID: rs17602729) and ClinVar (classified as uncertain significance by GeneDx and Invitae, and as pathogenic by Mayo Clinic). The variant was identified in control databases in 24609 of 282334 chromosomes (1470 homozygous) at a frequency of 0.08716 increasing the likelihood this could be a low frequency benign variant (Genome Aggregation Database March 6, 2019, v2.1.1). The variant was observed in the following populations: European (non-Finnish) in 16882 of 128928 chromosomes (freq: 0.1309), European (Finnish) in 2903 of 25048 chromosomes (freq: 0.1159), Other in 682 of 7188 chromosomes (freq: 0.09488), Ashkenazi Jewish in 790 of 10360 chromosomes (freq: 0.07625), Latino in 1757 of 35356 chromosomes (freq: 0.04969), South Asian in 1078 of 30602 chromosomes (freq: 0.03523), African in 516 of 24900 chromosomes (freq: 0.02072), and East Asian in 1 of 19952 chromosomes (freq: 0.00005). The c.133C>T variant leads to a premature stop codon at position 45, which is predicted to lead to a truncated or absent protein and loss of function. It is unclear how loss of function variants of the AMPD1 gene contribute to autosomal recessive AMPD deficiency; further, many individuals with AMPD deficiency are asymptomatic. The p.Gln45* variant occurs in the last base of the exon; this position has been shown to be part of the splicing consensus sequence and variants involving this position sometimes affect splicing. However, three of four in silico or computational prediction software programs (SpliceSiteFinder, MaxEntScan, NNSPLICE, GeneSplicer) do not predict a difference in splicing. In summary, based on the above information the clinical significance of this variant cannot be determined with certainty at this time. This variant is classified as a variant of uncertain significance.

OMIM
Classification: Pathogenic for MYOPATHY DUE TO MYOADENYLATE DEAMINASE DEFICIENCY. Last evaluated: 2011-06-01. Review status: flagged submission. Collection method: literature only. Allele origin: germline. Not counted in ClinVar's aggregate classification.
ClinVar note: Reason: Older and outlier claim with insufficient supporting evidence

Literature cited by the submitters: PubMed 18619730 (cited by Women's Health and Genetics/Laboratory Corporation of America, LabCorp); PubMed 14499869 (cited by Women's Health and Genetics/Laboratory Corporation of America, LabCorp); PubMed 1631143 (cited by 3 submitters); PubMed 29095874 (cited by Women's Health and Genetics/Laboratory Corporation of America, LabCorp); PubMed 1922051 (cited by Labcorp Genetics (formerly Invitae), Labcorp); PubMed 8335021 (cited by Labcorp Genetics (formerly Invitae), Labcorp); PubMed 15378456 (cited by Labcorp Genetics (formerly Invitae), Labcorp); PubMed 21343608 (cited by Labcorp Genetics (formerly Invitae), Labcorp and OMIM).